The following is an entry in ClinVar:

ClinVar aggregate classification (germline): Conflicting classifications of pathogenicity. Review status: criteria provided, conflicting classifications (1 of 4 stars). 3 submissions from 2 submitters: Uncertain significance (1); Benign (1); Likely benign (1). Last evaluated 2021-05-12.

Conditions:
Dilated cardiomyopathy 1X (CMD1X). Also called: CARDIOMYOPATHY, DILATED, WITH MILD OR NO PROXIMAL MUSCLE WEAKNESS; FKTN-Related Dilated Cardiomyopathy. Identifiers: Orphanet 154, MedGen C1969024, MONDO:0012704, OMIM 611615.
Muscular dystrophy-dystroglycanopathy (congenital with brain and eye anomalies), type A, 4 (MDDGA4). Also called: Walker-Warburg Syndrome, Fktn-Related; Congenital muscular dystrophy-dystroglycanopathy with brain and eye anomalies, type A4; WALKER-WARBURG SYNDROME OR MUSCLE-EYE-BRAIN DISEASE, FKTN-RELATED; Muscular dystrophy, congenital progressive, with mental retardation; Muscular dystrophy, congenital, with central nervous system involvement; Cerebromuscular dystrophy, Fukuyama type. Identifiers: Orphanet 272, Orphanet 588, Orphanet 899, MedGen C0410174, MONDO:0009678, OMIM 253800.

Allele frequency attached by ClinVar (database versions not stated): gnomAD exomes 0.00104; gnomAD 0.01386 and 0.01491; 1000 Genomes Project 0.01418; TOPMed 0.01564; 1000 Genomes Project 30x 0.01593.
gnomAD v4.1: 2,996 of 985,318 alleles (0.3%); highest among the groups gnomAD compares: African/African-American, 4.9%; 83 homozygotes.

Submissions (3):

GeneDx
Classification: Likely benign. Last evaluated: 2021-05-12. Review status: criteria provided, single submitter. Criteria: GeneDx Variant Classification Process June 2021. Collection method: clinical testing. Allele origin: germline. Affected: yes.

Illumina Laboratory Services, Illumina
Classification: Uncertain significance for Dilated cardiomyopathy 1X. Last evaluated: 2018-01-13. Review status: criteria provided, single submitter. Criteria: ICSL Variant Classification Criteria 13 December 2019. Collection method: clinical testing. Allele origin: germline.

Illumina Laboratory Services, Illumina
Classification: Benign for Muscular dystrophy-dystroglycanopathy (congenital with brain and eye anomalies), type A, 4. Last evaluated: 2018-01-13. Review status: criteria provided, single submitter. Criteria: ICSL Variant Classification Criteria 13 December 2019. Collection method: clinical testing. Allele origin: germline.
Comment: This variant was observed in the ICSL laboratory as part of a predisposition screen in an ostensibly healthy population. It had not been previously curated by ICSL or reported in the Human Gene Mutation Database (HGMD: prior to June 1st, 2018), and was therefore a candidate for classification through an automated scoring system. Utilizing variant allele frequency, disease prevalence and penetrance estimates, and inheritance mode, an automated score was calculated to assess if this variant is too frequent to cause the disease. Based on the score and internal cut-off values, a variant classified as benign is not then subjected to further curation. The score for this variant resulted in a classification of benign for this disease.

NM_001079802.2(FKTN):c.*2298C>G

Gene: FKTN (fukutin; plus strand). Cytogenetic location: 9q31.2.
Variant type: single nucleotide variant.
Coding change: c.*2298C>G on transcript NM_001079802.2 (MANE Select); 2298 bases downstream of the stop codon, C replaced by G.
Molecular consequence: 3 prime UTR variant. On other transcripts: non-coding transcript variant (2), intron variant (1).
Genome position (GRCh38, 1-based): chr9:105,637,562, C>G. VCF-style: chr9-105637562-C-G. GRCh37 (hg19) VCF-style: chr9-108399843-C-G.
Other names: c.*2298C>G (NM_001351496.2, NM_001351497.2, NM_001351499.2 and 4 more transcripts); c.*2476C>G (NM_001351498.2); c.1270+2414C>G (NM_001198963.2).
Identifiers: ClinVar variation 913686 (VCV000913686.5), dbSNP rs116107812, ClinGen allele CA197463098.